The following is an entry in ClinVar:

NM_000127.3(EXT1):c.1057-2A>C

Gene: EXT1 (exostosin glycosyltransferase 1; minus strand). Cytogenetic location: 8q24.11.
Variant type: single nucleotide variant.
Coding change: c.1057-2A>C on transcript NM_000127.3 (MANE Select); the canonical splice acceptor site of the intron before coding-DNA position 1057, A replaced by C.
Molecular consequence: splice acceptor variant.
Genome position (GRCh38, 1-based): chr8:117,835,553, T>G on the plus strand (A>C on the coding strand, the complement: EXT1 is on the minus strand). VCF-style: chr8-117835553-T-G. GRCh37 (hg19) VCF-style: chr8-118847792-T-G.
Identifiers: ClinVar variation 2663371 (VCV002663371.1), dbSNP rs1587003662, ClinGen allele CA371892849.

ClinVar aggregate classification (germline): Likely pathogenic (1 of 4 stars; one submission).

Submission:

GeneDx
Classification: Likely pathogenic. Last evaluated: 2023-04-14. Review status: criteria provided, single submitter. Criteria: GeneDx Variant Classification Process June 2021. Collection method: clinical testing. Allele origin: germline. Affected: yes.
Comment: Identified in a family with clinical or radiographic evidence of multiple osteochondromas in the published literature, but patient-specific clinical information or familial segregation was not provided (PMID: 23439489); Canonical splice site variant expected to result in aberrant splicing, although in the absence of functional evidence the actual effect of this sequence change is unknown.; Not observed at significant frequency in large population cohorts (gnomAD); This variant is associated with the following publications: (PMID: 23439489)